The following is an entry in ClinVar:

ClinVar aggregate classification (germline): Likely pathogenic. Review status: reviewed by expert panel (3 of 4 stars). 4 submissions from 4 submitters: Likely pathogenic (1). 3 of the submissions do not count toward it. Last evaluated 2024-08-22.

Conditions:
Familial thoracic aortic aneurysm and aortic dissection (TAAD). Also called: Thoracic aortic aneurysms and dissections. Identifiers: Orphanet 91387, MedGen C4707243, MONDO:0019625.
Marfan syndrome (MFS). Also called: MARFAN SYNDROME, TYPE I; FBN1-Related Marfan Syndrome; Marfan syndrome type 1; Marfan's syndrome; Marfan syndrome, classic. Identifiers: Orphanet 284963, Orphanet 558, MedGen C0024796, MONDO:0007947, OMIM 154700.

Submissions (4):

ClinGen FBN1 Variant Curation Expert Panel, ClinGen
Classification: Likely pathogenic for Marfan syndrome. Last evaluated: 2024-08-22. Review status: reviewed by expert panel. Criteria: Assertion Criteria VCEP FBN1 Version 1. Collection method: curation. Allele origin: germline. Inheritance: Autosomal dominant inheritance.
Comment: NM_000138.5(FBN1):c. 911G>A is a missense variant in FBN1 predicted to cause a substitution of cysteine by tyrosine at amino acid 304 (p.Cys304Tyr). This variant has been reported 1 time in ClinVar as Likely pathogenic and 1 time as uncertain significance (Variation ID: 632813). This variant is not present in gnomAD (PM2_Sup; v4.1.0). This variant affects a cysteine residue in a calcium binding EGF domain. Cysteine residues are believed to be involved in the formation of disulfide bridges which are essential for the protein structure (PM1_strong). The constraint z-score for missense variants affecting FBN1 is 8.2 (gnomAD v.4.1.0, PP2). Computational prediction tools and conservation analysis suggest that this variant may impact the protein (REVEL: 0.986, PP3). In summary, this variant meets criteria to be classified as Likely pathogenic for Marfan syndrome based on the ACMG/AMP criteria applied, as specified by the ClinGen FBN1 VCEP: PM1_Strong, PM2_Sup, PP4, PP3, PP2.

GeneDx
Classification: Likely pathogenic. Last evaluated: 2021-06-01. Review status: criteria provided, single submitter. Criteria: GeneDx Variant Classification Process June 2021. Collection method: clinical testing. Allele origin: germline. Affected: yes. Not counted in ClinVar's aggregate classification.
Comment: Has not been previously published as pathogenic or benign to our knowledge; Not observed in large population cohorts (Lek et al., 2016); In silico analysis supports that this missense variant has a deleterious effect on protein structure/function; Affects a cysteine residue within a calcium-binding EGF-like domain of the FBN1 gene, which may affect disulfide bonding and is predicted to alter the structure and function of the protein; cysteine substitutions in the calcium-binding EGF-like domains represent the majority of pathogenic missense changes associated with FBN1-related disorders (Collod-Beroud et al., 2003); Reported in ClinVar (ClinVar Variant ID# 495662; Landrum et al., 2016)

CHEO Genetics Diagnostic Laboratory, Children's Hospital of Eastern Ontario
Classification: Likely pathogenic for Familial thoracic aortic aneurysm and aortic dissection. Last evaluated: 2018-11-30. Review status: criteria provided, single submitter. Criteria: ACMG Guidelines, 2015. Collection method: clinical testing. Allele origin: germline. Not counted in ClinVar's aggregate classification.

Women's Health and Genetics/Laboratory Corporation of America, LabCorp
Classification: Uncertain significance. Last evaluated: 2016-06-07. Review status: criteria provided, single submitter. Criteria: LabCorp Variant Classification Summary - May 2015. Collection method: clinical testing. Allele origin: germline. Not counted in ClinVar's aggregate classification.
Comment: Variant summary: The FBN1 c.911G>A (p.Cys304Tyr) variant causes a missense change involving a conserved nucleotide located in the EGF-like #02 conserved region with 5/5 in silico tools predicting a damaging outcome, although these predictions have yet to be functionally assessed. The variant of interest causes the alteration of a cysteine, which the sulfhydryl group of cysteine is unique in its ability to participate in disulfide covalent cross-linkage. In fact, two thirds of fibrillin cysteine residues exist in the half-cystinyl form, suggesting their participation in intramolecular disulfide linkage. The cysteine residues in the EGF-like motif may also be necessary for intermolecular interactions with other fibrillin molecules or with other proteins (Dietz_1992). Therefore, alteration of cystein in this domain could disrupt disulfide binding, effecting secondary or tertiary structure or possibly impairing fibrillin interactions. The variant of interest has not been observed in controls (ExAC, 1000 Gs or ESP), nor has it been, to our knowledge, reported in affected individuals via publications and/or clinical laboratories/databases. Therefore, due to the nature of this variant affecting a cysteine which is critical for protein function, the variant of interest is classified as a "VUS-possibly pathogenic," until additional information becomes available.

NM_000138.5(FBN1):c.911G>A (p.Cys304Tyr)

Gene: FBN1 (fibrillin 1; minus strand). Cytogenetic location: 15q21.1.
Variant type: single nucleotide variant.
Coding change: c.911G>A on transcript NM_000138.5 (MANE Select); coding-DNA position 911, G replaced by A.
Protein change: p.Cys304Tyr; replaces cysteine 304 with tyrosine.
Molecular consequence: missense variant.
Genome position (GRCh38, 1-based): chr15:48,526,207, C>T on the plus strand (G>A on the coding strand, the complement: FBN1 is on the minus strand). VCF-style: chr15-48526207-C-T. GRCh37 (hg19) VCF-style: chr15-48818404-C-T.
Other names: NM_000138.5(FBN1):c.911G>A; p.Cys304Tyr; short protein forms C304Y.
Identifiers: ClinVar variation 495662 (VCV000495662.8), dbSNP rs1555401011, ClinGen allele CA392350265.
Genomic context (GRCh38, chr15:48,526,207, plus strand): 5'-TCTGGAGAGGTGTAAAAACCAGGGGGACATTTGCAAAAGTAACTGCTGACTGTGTTTGTA[C>T]ATTCACCCCCTTCACAGATTCCAGGAATGGTGCTGCATTCATCAATATCTGGAATATAAA-3'
Protein context (NP_000129.3, residues 294-314): TIPGICEGGE[Cys304Tyr]TNTVSSYFCK